The following is an entry in ClinVar:

ClinVar aggregate classification (germline): Uncertain significance. Review status: criteria provided, multiple submitters, no conflicts (2 of 4 stars). 2 submissions from 2 submitters: Uncertain significance (2). Last evaluated 2024-06-11.

Conditions:
Catecholaminergic polymorphic ventricular tachycardia 1. Also called: VENTRICULAR TACHYCARDIA, CATECHOLAMINERGIC POLYMORPHIC, 1, WITH OR WITHOUT ATRIAL DYSFUNCTION AND/OR DILATED CARDIOMYOPATHY; RYR2-Related Catecholaminergic Polymorphic Ventricular Tachycardia; VENTRICULAR TACHYCARDIA, STRESS-INDUCED POLYMORPHIC 1. Identifiers: Orphanet 3286, MedGen C1631597, MONDO:0011484, OMIM 604772.
Cardiovascular phenotype. Identifiers: MedGen CN230736.

Submissions (2):

Labcorp Genetics (formerly Invitae), Labcorp
Classification: Uncertain significance for Catecholaminergic polymorphic ventricular tachycardia 1. Last evaluated: 2024-06-11. Review status: criteria provided, single submitter. Criteria: Invitae Variant Classification Sherloc (09022015). Collection method: clinical testing. Allele origin: germline.
Comment: This sequence change replaces glutamic acid, which is acidic and polar, with aspartic acid, which is acidic and polar, at codon 4906 of the RYR2 protein (p.Glu4906Asp). This variant is not present in population databases (gnomAD no frequency). This variant has not been reported in the literature in individuals affected with RYR2-related conditions. ClinVar contains an entry for this variant (Variation ID: 532346). Advanced modeling of protein sequence and biophysical properties (such as structural, functional, and spatial information, amino acid conservation, physicochemical variation, residue mobility, and thermodynamic stability) performed at Invitae indicates that this missense variant is expected to disrupt RYR2 protein function with a positive predictive value of 80%. In summary, the available evidence is currently insufficient to determine the role of this variant in disease. Therefore, it has been classified as a Variant of Uncertain Significance.

Ambry Genetics
Classification: Uncertain significance for Cardiovascular phenotype. Last evaluated: 2021-06-05. Review status: criteria provided, single submitter. Criteria: Ambry Variant Classification Scheme 2023. Collection method: clinical testing. Allele origin: germline.
Comment: The p.E4906D variant (also known as c.14718A>C), located in coding exon 103 of the RYR2 gene, results from an A to C substitution at nucleotide position 14718. The glutamic acid at codon 4906 is replaced by aspartic acid, an amino acid with highly similar properties. This amino acid position is highly conserved in available vertebrate species. In addition, this alteration is predicted to be deleterious by in silico analysis. Since supporting evidence is limited at this time, the clinical significance of this alteration remains unclear.

NM_001035.3(RYR2):c.14718A>C (p.Glu4906Asp)

Gene: RYR2 (ryanodine receptor 2; plus strand). Cytogenetic location: 1q43.
Variant type: single nucleotide variant.
Coding change: c.14718A>C on transcript NM_001035.3 (MANE Select); coding-DNA position 14718, A replaced by C.
Protein change: p.Glu4906Asp; replaces glutamic acid 4906 with aspartic acid.
Molecular consequence: missense variant.
Genome position (GRCh38, 1-based): chr1:237,830,592, A>C. VCF-style: chr1-237830592-A-C. GRCh37 (hg19) VCF-style: chr1-237993892-A-C.
Other names: c.14718A>C, p.Glu4906Asp (LRG_402t1); short protein forms E4906D.
Identifiers: ClinVar variation 532346 (VCV000532346.14), dbSNP rs1553342497, ClinGen allele CA345409766.
Genomic context (GRCh38, chr1:237,830,592, plus strand): 5'-CAAATGCTTCATCTGTGGGATAGGCAATGATTACTTCGACACAGTGCCACATGGCTTTGA[A>C]ACCCACACTTTACAGGAGCACAACTTGGCTAATTACTTGTGAGTGTGCCCGTTTCAGAAT-3'
Protein context (NP_001026.2, residues 4896-4916): DYFDTVPHGF[Glu4906Asp]THTLQEHNLA